The following is an entry in ClinVar:

ClinVar aggregate classification (germline): Uncertain significance (1 of 4 stars; one submission).

gnomAD v4.1: 69 of 1,614,130 alleles (0.0043%); highest among the groups gnomAD compares: Middle Eastern, 0.017%; no homozygotes.

Submission:

Labcorp Genetics (formerly Invitae), Labcorp
Classification: Uncertain significance. Last evaluated: 2025-09-11. Review status: criteria provided, single submitter. Criteria: Invitae Variant Classification Sherloc (09022015). Collection method: clinical testing. Allele origin: germline.
Comment: This sequence change replaces proline, which is neutral and non-polar, with serine, which is neutral and polar, at codon 860 of the ARHGEF10 protein (p.Pro860Ser). This variant is present in population databases (rs766515618, gnomAD 0.004%). This variant has not been reported in the literature in individuals affected with ARHGEF10-related conditions. ClinVar contains an entry for this variant (Variation ID: 3715993). Invitae Evidence Modeling of protein sequence and biophysical properties (such as structural, functional, and spatial information, amino acid conservation, physicochemical variation, residue mobility, and thermodynamic stability) indicates that this missense variant is not expected to disrupt ARHGEF10 protein function with a negative predictive value of 80%. In summary, the available evidence is currently insufficient to determine the role of this variant in disease. Therefore, it has been classified as a Variant of Uncertain Significance.

NM_014629.4(ARHGEF10):c.2578C>T (p.Pro860Ser)

Gene: ARHGEF10 (Rho guanine nucleotide exchange factor 10; plus strand). Cytogenetic location: 8p23.3.
Variant type: single nucleotide variant.
Coding change: c.2578C>T on transcript NM_014629.4 (MANE Select); coding-DNA position 2578, C replaced by T.
Protein change: p.Pro860Ser; replaces proline 860 with serine.
Molecular consequence: missense variant.
Genome position (GRCh38, 1-based): chr8:1,925,372, C>T. VCF-style: chr8-1925372-C-T. GRCh37 (hg19) VCF-style: chr8-1873538-C-T.
Other names: c.2464C>T, p.Pro822Ser (NM_001308152.2); c.2578C>T, p.Pro860Ser (NM_001308153.3); short protein forms P860S, P884S, P822S.
Identifiers: ClinVar variation 3715993 (VCV003715993.2).